The following is an entry in ClinVar:

ClinVar aggregate classification (germline): Uncertain significance. Review status: criteria provided, multiple submitters, no conflicts (2 of 4 stars). 5 submissions from 5 submitters: Uncertain significance (4). 1 of the submissions does not count toward it. Last evaluated 2026-04-22.

Conditions:
COACH syndrome 3. Identifiers: MedGen C5436841, MONDO:0030862, OMIM 619113.
Meckel syndrome, type 5 (MKS5). Identifiers: Orphanet 564, MedGen C1969052, MONDO:0012695, OMIM 611561.
Joubert syndrome 7 (JBTS7). Identifiers: Orphanet 220497, MedGen C1969053, MONDO:0012694, OMIM 611560.
Joubert syndrome. Also called: Familial aplasia of the vermis; JOUBERT-BOLTSHAUSER SYNDROME. Identifiers: Orphanet 475, MedGen C5979921, MONDO:0018772.
RPGRIP1L-related disorder. Also called: RPGRIP1L-related disorders; RPGRIP1L-related condition. Identifiers: MedGen CN239416.
Meckel-Gruber syndrome. Also called: DYSENCEPHALIA SPLANCHNOCYSTICA; GRUBER SYNDROME; Dysencephalia splachnocystica. Identifiers: Orphanet 564, MedGen C0265215, MONDO:0018921.
Inborn genetic diseases. Identifiers: MedGen C0950123, MeSH D030342.

Allele frequency attached by ClinVar (database versions not stated): gnomAD exomes below 0.00001; gnomAD 0.00001; TOPMed 0.00002.
gnomAD v4.1: 7 of 1,611,598 alleles (0.00043%); highest among the groups gnomAD compares: Admixed American, 0.0017%; no homozygotes.

Submissions (5):

PreventionGenetics, part of Exact Sciences
Classification: Uncertain significance for RPGRIP1L-related condition. Last evaluated: 2026-04-22. Review status: criteria provided, single submitter. Criteria: ACMG Guidelines, 2015. Collection method: clinical testing. Allele origin: germline.
Comment: The RPGRIP1L c.1376T>G variant is predicted to result in the amino acid substitution p.Leu459Trp. To our knowledge, this variant has not been reported in the literature or in a large population database (gnomAD), indicating this variant is rare. At this time, the clinical significance of this variant is uncertain due to the absence of conclusive functional and genetic evidence.

Fulgent Genetics
Classification: Uncertain significance for Joubert syndrome 7; Meckel syndrome, type 5; COACH syndrome 3. Last evaluated: 2023-12-21. Review status: criteria provided, single submitter. Criteria: ACMG Guidelines, 2015. Collection method: clinical testing. Allele origin: germline.

Ambry Genetics
Classification: Uncertain significance for Inborn genetic diseases. Last evaluated: 2023-05-23. Review status: criteria provided, single submitter. Criteria: Ambry Variant Classification Scheme 2023. Collection method: clinical testing. Allele origin: germline.

Labcorp Genetics (formerly Invitae), Labcorp
Classification: Uncertain significance for Joubert syndrome; Meckel-Gruber syndrome. Last evaluated: 2022-05-07. Review status: criteria provided, single submitter. Criteria: Invitae Variant Classification Sherloc (09022015). Collection method: clinical testing. Allele origin: germline.
Comment: This sequence change replaces leucine, which is neutral and non-polar, with tryptophan, which is neutral and slightly polar, at codon 459 of the RPGRIP1L protein (p.Leu459Trp). This variant is not present in population databases (gnomAD no frequency). This variant has not been reported in the literature in individuals affected with RPGRIP1L-related conditions. ClinVar contains an entry for this variant (Variation ID: 1004069). Algorithms developed to predict the effect of missense changes on protein structure and function are either unavailable or do not agree on the potential impact of this missense change (SIFT: "Deleterious"; PolyPhen-2: "Probably Damaging"; Align-GVGD: "Class C15"). In summary, the available evidence is currently insufficient to determine the role of this variant in disease. Therefore, it has been classified as a Variant of Uncertain Significance.

Natera, Inc.
Classification: Uncertain significance for Joubert syndrome. Last evaluated: 2020-06-02. Review status: no assertion criteria provided. Collection method: clinical testing. Allele origin: germline. Not counted in ClinVar's aggregate classification.

NM_015272.5(RPGRIP1L):c.1376T>G (p.Leu459Trp)

Gene: RPGRIP1L (RPGRIP1 like; minus strand). Cytogenetic location: 16q12.2.
Variant type: single nucleotide variant.
Coding change: c.1376T>G on transcript NM_015272.5 (MANE Select); coding-DNA position 1376, T replaced by G.
Protein change: p.Leu459Trp; replaces leucine 459 with tryptophan.
Molecular consequence: missense variant.
Genome position (GRCh38, 1-based): chr16:53,658,439, A>C on the plus strand (T>G on the coding strand, the complement: RPGRIP1L is on the minus strand). VCF-style: chr16-53658439-A-C. GRCh37 (hg19) VCF-style: chr16-53692351-A-C.
Other names: c.1376T>G, p.Leu459Trp (NM_001127897.4, NM_001308334.3, NM_001330538.2); c.1376T>G (NM_015272.2, NM_015272.4); short protein forms L459W.
Identifiers: ClinVar variation 1004069 (VCV001004069.11), dbSNP rs1430832205, ClinGen allele CA395919898.
Genomic context (GRCh38, chr16:53,658,439, plus strand): 5'-AGACATGAAAATCACGATGAAGTTCAGAACCTTACCTTTATAAGTAGGAGAGCTTCACTC[A>C]ATTCATCAGCATTAATATCATTCTCCTGCAATAGATTAAGTAAAAGCTCACAATGAGTTA-3'
Protein context (NP_056087.2, residues 449-469): NQENDINADE[Leu459Trp]SEALLLIKAQ